The following is an entry in ClinVar:

ClinVar aggregate classification (germline): Uncertain significance. Review status: criteria provided, multiple submitters, no conflicts (2 of 4 stars). 2 submissions from 2 submitters: Uncertain significance (2). Last evaluated 2023-06-19.

Conditions:
Familial cancer of breast. Also called: BREAST CANCER, FAMILIAL; Hereditary breast cancer; hereditary breast carcinoma. Identifiers: Orphanet 227535, MedGen C0346153, MONDO:0016419, OMIM 114480. Disease mechanism: loss of function.
Hereditary cancer-predisposing syndrome. Also called: Neoplastic Syndromes, Hereditary; Tumor predisposition; Hereditary neoplastic syndrome; Hereditary Cancer Syndrome. Identifiers: Orphanet 140162, MedGen C0027672, MeSH D009386, MONDO:0015356.

Allele frequency attached by ClinVar (database versions not stated): gnomAD exomes below 0.00001; ExAC 0.00001.

Submissions (2):

Baylor Genetics
Classification: Uncertain significance for Familial cancer of breast. Last evaluated: 2023-06-19. Review status: criteria provided, single submitter. Criteria: ACMG Guidelines, 2015. Collection method: clinical testing. Allele origin: unknown.

Ambry Genetics
Classification: Uncertain significance for Hereditary cancer-predisposing syndrome. Last evaluated: 2023-01-08. Review status: criteria provided, single submitter. Criteria: Ambry Variant Classification Scheme 2023. Collection method: clinical testing. Allele origin: germline.
Comment: The p.D673G variant (also known as c.2018A>G), located in coding exon 11 of the BARD1 gene, results from an A to G substitution at nucleotide position 2018. The aspartic acid at codon 673 is replaced by glycine, an amino acid with similar properties. This amino acid position is conserved. In addition, the in silico prediction for this alteration is inconclusive. Since supporting evidence is limited at this time, the clinical significance of this alteration remains unclear.

NM_000465.4(BARD1):c.2018A>G (p.Asp673Gly)

Gene: BARD1 (BRCA1 associated RING domain 1; minus strand). Cytogenetic location: 2q35.
Variant type: single nucleotide variant.
Coding change: c.2018A>G on transcript NM_000465.4 (MANE Select); coding-DNA position 2018, A replaced by G.
Protein change: p.Asp673Gly; replaces aspartic acid 673 with glycine.
Molecular consequence: missense variant. On other transcripts: non-coding transcript variant (3).
Genome position (GRCh38, 1-based): chr2:214,728,992, T>C on the plus strand (A>G on the coding strand, the complement: BARD1 is on the minus strand). VCF-style: chr2-214728992-T-C. GRCh37 (hg19) VCF-style: chr2-215593716-T-C.
Other names: c.1961A>G, p.Asp654Gly (NM_001282543.2); c.665A>G, p.Asp222Gly (NM_001282545.2); c.608A>G, p.Asp203Gly (NM_001282548.2); c.479A>G, p.Asp160Gly (NM_001282549.2); short protein forms D160G, D203G, D222G, D654G, D673G.
Identifiers: ClinVar variation 2450476 (VCV002450476.3), dbSNP rs776515437, ClinGen allele CA2090087.
Genomic context (GRCh38, chr2:214,728,992, plus strand): 5'-TTAATAAGGTTGTCCTTTGGATGGTGTTTGAAGGTTCCCCACAAATAGAAGTAGCATCCA[T>C]CAAACAGCTTTGGCAACTGAAATAATGAGAAAACATTTGTTAAAGGCAGATCAAAATACT-3'
Protein context (NP_000456.2, residues 663-683): NREQLLPKLF[Asp673Gly]GCYFYLWGTF